The following is an entry in ClinVar:

NM_016343.4(CENPF):c.2832A>G (p.Leu944=)

Gene: CENPF (centromere protein F; plus strand). Cytogenetic location: 1q41.
Variant type: single nucleotide variant.
Coding change: c.2832A>G on transcript NM_016343.4 (MANE Select); coding-DNA position 2832, A replaced by G.
Protein change: p.Leu944=; no amino-acid change (leucine 944 retained).
Molecular consequence: synonymous variant.
Genome position (GRCh38, 1-based): chr1:214,641,170, A>G. VCF-style: chr1-214641170-A-G. GRCh37 (hg19) VCF-style: chr1-214814513-A-G.
Identifiers: ClinVar variation 3031158 (VCV003031158.2), dbSNP rs1658101251, ClinGen allele CA423426026.

ClinVar aggregate classification (germline): Likely benign (0 of 4 stars; one submission).

Conditions:
CENPF-related disorder. Also called: CENPF-related condition.

Allele frequency attached by ClinVar (database versions not stated): gnomAD exomes below 0.00001.
gnomAD v4.1: 2 of 1,603,856 alleles (0.00012%); highest among the groups gnomAD compares: African/African-American, 0.0013%; no homozygotes.

Submission:

PreventionGenetics, part of Exact Sciences
Classification: Likely benign for CENPF-related condition. Last evaluated: 2023-04-26. Review status: no assertion criteria provided. Collection method: clinical testing. Allele origin: germline.
Comment: This variant is classified as likely benign based on ACMG/AMP sequence variant interpretation guidelines (Richards et al. 2015 PMID: 25741868, with internal and published modifications).